The following is an entry in ClinVar:

ClinVar aggregate classification (germline): Uncertain significance. Review status: criteria provided, multiple submitters, no conflicts (2 of 4 stars). 3 submissions from 3 submitters: Uncertain significance (3). Last evaluated 2025-05-30.

Conditions:
Menkes kinky-hair syndrome (MNK). Also called: Copper transport disease; Menkes Disease; Classic Menkes Disease. Identifiers: Orphanet 565, MedGen C0022716, MONDO:0010651, OMIM 309400.
Cutis laxa, X-linked (OHS). Also called: EDS IX; Occipital horn syndrome. Identifiers: Orphanet 198, MedGen C0268353, MONDO:0010572, OMIM 304150.
X-linked distal spinal muscular atrophy type 3. Also called: SPINAL MUSCULAR ATROPHY, DISTAL, X-LINKED RECESSIVE; NEURONOPATHY, DISTAL HEREDITARY MOTOR, X-LINKED; NEUROPATHY, DISTAL HEREDITARY MOTOR, X-LINKED; ATP7A-Related Distal Motor Neuropathy. Identifiers: Orphanet 139557, MedGen C1845359, MONDO:0010338, OMIM 300489.
ATP7A-related disorder. Also called: ATP7A-related condition.

Submissions (3):

Labcorp Genetics (formerly Invitae), Labcorp
Classification: Uncertain significance for X-linked distal spinal muscular atrophy type 3; Cutis laxa, X-linked; Menkes kinky-hair syndrome. Last evaluated: 2025-05-30. Review status: criteria provided, single submitter. Criteria: Invitae Variant Classification Sherloc (09022015). Collection method: clinical testing. Allele origin: germline.
Comment: This sequence change replaces isoleucine, which is neutral and non-polar, with valine, which is neutral and non-polar, at codon 1242 of the ATP7A protein (p.Ile1242Val). This variant is not present in population databases (gnomAD no frequency). This variant has not been reported in the literature in individuals affected with ATP7A-related conditions. ClinVar contains an entry for this variant (Variation ID: 2629890). Invitae Evidence Modeling of protein sequence and biophysical properties (such as structural, functional, and spatial information, amino acid conservation, physicochemical variation, residue mobility, and thermodynamic stability) indicates that this missense variant is not expected to disrupt ATP7A protein function with a negative predictive value of 95%. In summary, the available evidence is currently insufficient to determine the role of this variant in disease. Therefore, it has been classified as a Variant of Uncertain Significance.

Women's Health and Genetics/Laboratory Corporation of America, LabCorp
Classification: Uncertain significance. Last evaluated: 2025-05-27. Review status: criteria provided, single submitter. Criteria: LabCorp Variant Classification Summary - May 2015. Collection method: clinical testing. Allele origin: germline.
Comment: Variant summary: ATP7A c.3724A>G (p.Ile1242Val) results in a conservative amino acid change in the encoded protein sequence. Algorithms developed to predict the effect of missense changes on protein structure and function all suggest that this variant is likely to be tolerated. The variant was absent in 183435 control chromosomes (gnomAD). The available data on variant occurrences in the general population are insufficient to allow any conclusion about variant significance. To our knowledge, no occurrence of c.3724A>G in individuals affected with Menkes kinky-hair syndrome and no experimental evidence demonstrating its impact on protein function have been reported. ClinVar contains an entry for this variant (Variation ID: 2629890). Based on the evidence outlined above, the variant was classified as uncertain significance.

PreventionGenetics, part of Exact Sciences
Classification: Uncertain significance for ATP7A-related condition. Last evaluated: 2022-12-07. Review status: criteria provided, single submitter. Criteria: ACMG Guidelines, 2015. Collection method: clinical testing. Allele origin: germline.
Comment: The ATP7A c.3724A>G variant is predicted to result in the amino acid substitution p.Ile1242Val. To our knowledge, this variant has not been reported in the literature or in a large population database, indicating this variant is rare. At this time, the clinical significance of this variant is uncertain due to the absence of conclusive functional and genetic evidence.

NM_000052.7(ATP7A):c.3724A>G (p.Ile1242Val)

Gene: ATP7A (ATPase copper transporting alpha; plus strand). Cytogenetic location: Xq21.1.
Variant type: single nucleotide variant.
Coding change: c.3724A>G on transcript NM_000052.7 (MANE Select); coding-DNA position 3724, A replaced by G.
Protein change: p.Ile1242Val; replaces isoleucine 1242 with valine.
Molecular consequence: missense variant. On other transcripts: non-coding transcript variant (1).
Genome position (GRCh38, 1-based): chrX:78,040,656, A>G. VCF-style: chrX-78040656-A-G. GRCh37 (hg19) VCF-style: chrX-77296154-A-G.
Other names: c.3490A>G, p.Ile1164Val (NM_001282224.2); short protein forms I1164V, I1242V.
Identifiers: ClinVar variation 2629890 (VCV002629890.5), dbSNP rs1603390828, ClinGen allele CA413604826.